The following is an entry in ClinVar:

ClinVar aggregate classification (germline): Uncertain significance (1 of 4 stars; one submission).

Conditions:
Cardiovascular phenotype. Identifiers: MedGen CN230736.

Allele frequency attached by ClinVar (database versions not stated): gnomAD exomes below 0.00001; gnomAD 0.00001.
gnomAD v4.1: 5 of 1,613,128 alleles (0.00031%); highest among the groups gnomAD compares: Admixed American, 0.0033%; no homozygotes.

Submission:

Ambry Genetics
Classification: Uncertain significance for Cardiovascular phenotype. Last evaluated: 2024-03-21. Review status: criteria provided, single submitter. Criteria: Ambry Variant Classification Scheme 2023. Collection method: clinical testing. Allele origin: germline.
Comment: The p.T332K variant (also known as c.995C>A), located in coding exon 6 of the ABCC9 gene, results from a C to A substitution at nucleotide position 995. The threonine at codon 332 is replaced by lysine, an amino acid with similar properties. This amino acid position is well conserved in available vertebrate species. In addition, the in silico prediction for this alteration is inconclusive. Based on the available evidence, the clinical significance of this alteration remains unclear.

NM_020297.4(ABCC9):c.995C>A (p.Thr332Lys)

Gene: ABCC9 (ATP binding cassette subfamily C member 9; minus strand). Cytogenetic location: 12p12.1.
Variant type: single nucleotide variant.
Coding change: c.995C>A on transcript NM_020297.4 (MANE Select); coding-DNA position 995, C replaced by A.
Protein change: p.Thr332Lys; replaces threonine 332 with lysine.
Molecular consequence: missense variant.
Genome position (GRCh38, 1-based): chr12:21,912,888, G>T on the plus strand (C>A on the coding strand, the complement: ABCC9 is on the minus strand). VCF-style: chr12-21912888-G-T. GRCh37 (hg19) VCF-style: chr12-22065822-G-T.
Other names: c.995C>A, p.Thr332Lys (NM_001377273.1, NM_005691.4); c.131C>A, p.Thr44Lys (NM_001377274.1); short protein forms T332K, T44K.
Identifiers: ClinVar variation 2230833 (VCV002230833.3), dbSNP rs1262059763, ClinGen allele CA384120836.